The following is an entry in ClinVar:

NM_001242896.3(DEPDC5):c.3946C>G (p.Leu1316Val)

Gene: DEPDC5 (DEP domain containing 5, GATOR1 subcomplex subunit; plus strand). Cytogenetic location: 22q12.3.
Variant type: single nucleotide variant.
Coding change: c.3946C>G on transcript NM_001242896.3 (MANE Select); coding-DNA position 3946, C replaced by G.
Protein change: p.Leu1316Val; replaces leucine 1316 with valine.
Molecular consequence: missense variant. On other transcripts: non-coding transcript variant (5).
Genome position (GRCh38, 1-based): chr22:31,879,665, C>G. VCF-style: chr22-31879665-C-G. GRCh37 (hg19) VCF-style: chr22-32275651-C-G.
Other names: c.3919C>G, p.Leu1307Val (NM_001136029.4); c.3646C>G, p.Leu1216Val (NM_001242897.2); c.3880C>G, p.Leu1294Val (NM_001363852.2, NM_001364320.2); c.3712C>G, p.Leu1238Val (NM_001363854.2, NM_001364319.2); c.3946C>G, p.Leu1316Val (NM_001364318.2); c.3862C>G, p.Leu1288Val (NM_001369901.1, NM_001369902.1); c.3853C>G, p.Leu1285Val (NM_001369903.1, NM_014662.6); short protein forms L1294V, L1307V, L1238V, L1288V, L1216V, L1285V, L1316V.
Identifiers: ClinVar variation 835457 (VCV000835457.26), dbSNP rs755051459, ClinGen allele CA10197145.
Genomic context (GRCh38, chr22:31,879,665, plus strand): 5'-GTGGCCTTTGTGGCAGAAGAGCTCGTGCACTCTGAGATTCCTGCCTTTCTCCTGCCCTGG[C>G]TGCCTAGCCGGCCAGCCTCCTATGCAAGTAGGCACAGCTCCTTTAGCCGAAGTTTTGGAG-3'
Protein context (NP_001229825.1, residues 1306-1326): SEIPAFLLPW[Leu1316Val]PSRPASYASR

ClinVar aggregate classification (germline): Uncertain significance. Review status: criteria provided, multiple submitters, no conflicts (2 of 4 stars). 2 submissions from 2 submitters: Uncertain significance (2). Last evaluated 2025-08-11.

Conditions:
Familial focal epilepsy with variable foci (FPEVF). Identifiers: Orphanet 98820, MedGen C1858477, MONDO:0020310.

Allele frequency attached by ClinVar (database versions not stated): ExAC 0.00002; gnomAD 0.00004 and 0.00005; TOPMed 0.00005.
gnomAD v4.1: 28 of 1,614,058 alleles (0.0017%); highest among the groups gnomAD compares: Non-Finnish European, 0.0023%; no homozygotes.

Submissions (2):

Labcorp Genetics (formerly Invitae), Labcorp
Classification: Uncertain significance for Familial focal epilepsy with variable foci. Last evaluated: 2025-08-11. Review status: criteria provided, single submitter. Criteria: Invitae Variant Classification Sherloc (09022015). Collection method: clinical testing. Allele origin: germline.
Comment: This sequence change replaces leucine, which is neutral and non-polar, with valine, which is neutral and non-polar, at codon 1316 of the DEPDC5 protein (p.Leu1316Val). This variant is present in population databases (rs755051459, gnomAD 0.002%). This variant has not been reported in the literature in individuals affected with DEPDC5-related conditions. ClinVar contains an entry for this variant (Variation ID: 835457). Experimental studies and prediction algorithms are not available or were not evaluated, and the functional significance of this variant is currently unknown. In summary, the available evidence is currently insufficient to determine the role of this variant in disease. Therefore, it has been classified as a Variant of Uncertain Significance.

CeGaT Center for Human Genetics Tuebingen
Classification: Uncertain significance. Last evaluated: 2024-07-01. Review status: criteria provided, single submitter. Criteria: CeGaT Center For Human Genetics Tuebingen Variant Classification Criteria Version 2. Collection method: clinical testing. Allele origin: germline. Affected: yes. Observed: 1 variant allele.
Comment: DEPDC5: PM2:Supporting, BP1